The following is an entry in ClinVar:

NM_001287.6(CLCN7):c.981+2dup

Gene: CLCN7 (Cl-/H+ antiporter 7; minus strand). Cytogenetic location: 16p13.3.
Variant type: Duplication.
Coding change: c.981+2dup on transcript NM_001287.6 (MANE Select); the canonical splice donor site of the intron after coding-DNA position 981, one base duplicated (T; older notation c.981+2dupT).
Molecular consequence: splice donor variant.
Genome position (GRCh38, 1-based): chr16:1,455,729, A duplicated on the plus strand (T on the coding strand, the reverse complement: CLCN7 is on the minus strand). VCF-style (leftmost placement, unchanged base first): chr16-1455728-T-TA. GRCh37 (hg19) VCF-style: chr16-1505729-T-TA.
Other names: c.909+2dup (NM_001114331.3).
Identifiers: ClinVar variation 4854567 (VCV004854567.1).
Genomic context (GRCh38, chr16:1,455,728, plus strand): 5'-ATGGTGGGAAATGAGAGCGCAGCATGCACCCTGATCAGGAGGCAGCCATCAGCAGGAACT[T>TA]ACGATCCTCCAGGTCAGGAACTGGTTCCAGAAGGACGCACCCTCCTCCAAGCTGAACAGG-3'

ClinVar aggregate classification (germline): Uncertain significance (1 of 4 stars; one submission).

Conditions:
Autosomal recessive osteopetrosis 4. Also called: infantile malignant CLCN7-related recessive osteopetrosis; CLCN7-Related Osteopetrosis. Identifiers: Orphanet 667, MedGen C1969106, MONDO:0012676, OMIM 611490.

Submission:

3billion
Classification: Uncertain significance for Autosomal recessive osteopetrosis 4. Last evaluated: 2026-01-20. Review status: criteria provided, single submitter. Criteria: ACMG Guidelines, 2015. Collection method: clinical testing. Allele origin: germline. Affected: yes.
Comment: The variant is not observed in the gnomAD v4.1.0 dataset. Predicted Consequence/Location: Intron variant In silico tools predict the variant to alter splicing and produce an abnormal transcript [SpliceAI: 0.91 (>=0.2, moderate evidence for spliceogenicity)]. Therefore, this variant is classified as VUS according to the recommendation of ACMG/AMP guideline.